The following is an entry in ClinVar:

NM_001282860.2(GON4L):c.3175_3179del (p.Gly1059fs)

Gene: GON4L (gon-4 like; minus strand). Cytogenetic location: 1q22.
Variant type: Deletion.
Coding change: c.3175_3179del on transcript NM_001282860.2 (MANE Select); coding-DNA positions 3175 to 3179, 5 bases deleted (GGGGT; older notation c.3175_3179delGGGGT).
Protein change: p.Gly1059fs; shifts the reading frame from glycine 1059.
Molecular consequence: frameshift variant.
Genome position (GRCh38, 1-based): chr1:155,766,294-155,766,298, ACCCC deleted on the plus strand (GGGGT on the coding strand, the reverse complement: GON4L is on the minus strand). VCF-style (leftmost placement, unchanged base first): chr1-155766293-GACCCC-G. GRCh37 (hg19) VCF-style: chr1-155736084-GACCCC-G.
Other names: c.3175_3179del, p.Gly1059fs (NM_032292.6, NM_001282856.2, NM_001282858.2 and 1 more transcripts); short protein forms G1059fs.
Identifiers: ClinVar variation 5043306 (VCV005043306.1).

ClinVar aggregate classification (germline): Pathogenic (1 of 4 stars; one submission).

Conditions:
Fetal anomalies with a likely genetic cause.

Submission:

Genetics Laboratory, Great Ormond Street Hospital NHS Foundation Trust, North Thames Genomic Laboratory Hub
Classification: Pathogenic for Fetal anomalies with a likely genetic cause. Last evaluated: 2026-09-17. Review status: criteria provided, single submitter. Criteria: ACGS Best Practice Guidelines for Variant Classification in Rare Disease 2024 v1.2. Collection method: clinical testing. Allele origin: germline. Affected: yes.
Comment: PM2_moderate, PVS1_very-strong